The following is an entry in ClinVar:

ClinVar aggregate classification (germline): Uncertain significance (1 of 4 stars; one submission).

Conditions:
Marfan syndrome (MFS). Also called: MARFAN SYNDROME, TYPE I; Marfan syndrome type 1; Marfan's syndrome; Marfan syndrome, classic; FBN1-Related Marfan Syndrome. Identifiers: Orphanet 284963, Orphanet 558, MedGen C0024796, MONDO:0007947, OMIM 154700.
Familial thoracic aortic aneurysm and aortic dissection (TAAD). Also called: Thoracic aortic aneurysms and dissections. Identifiers: Orphanet 91387, MedGen C4707243, MONDO:0019625.

gnomAD v4.1: 1 of 1,614,110 alleles (0.000062%); highest among the groups gnomAD compares: Non-Finnish European, 0.000085%; no homozygotes.

Submission:

Labcorp Genetics (formerly Invitae), Labcorp
Classification: Uncertain significance for Marfan syndrome; Familial thoracic aortic aneurysm and aortic dissection. Last evaluated: 2023-10-22. Review status: criteria provided, single submitter. Criteria: Invitae Variant Classification Sherloc (09022015). Collection method: clinical testing. Allele origin: germline.
Comment: This sequence change replaces arginine, which is basic and polar, with serine, which is neutral and polar, at codon 1820 of the FBN1 protein (p.Arg1820Ser). This variant is not present in population databases (gnomAD no frequency). This variant has not been reported in the literature in individuals affected with FBN1-related conditions. Advanced modeling of protein sequence and biophysical properties (such as structural, functional, and spatial information, amino acid conservation, physicochemical variation, residue mobility, and thermodynamic stability) has been performed at Invitae for this missense variant, however the output from this modeling did not meet the statistical confidence thresholds required to predict the impact of this variant on FBN1 protein function. In summary, the available evidence is currently insufficient to determine the role of this variant in disease. Therefore, it has been classified as a Variant of Uncertain Significance.

NM_000138.5(FBN1):c.5458C>A (p.Arg1820Ser)

Gene: FBN1 (fibrillin 1; minus strand). Cytogenetic location: 15q21.1.
Variant type: single nucleotide variant.
Coding change: c.5458C>A on transcript NM_000138.5 (MANE Select); coding-DNA position 5458, C replaced by A.
Protein change: p.Arg1820Ser; replaces arginine 1820 with serine.
Molecular consequence: missense variant.
Genome position (GRCh38, 1-based): chr15:48,452,649, G>T on the plus strand (C>A on the coding strand, the complement: FBN1 is on the minus strand). VCF-style: chr15-48452649-G-T. GRCh37 (hg19) VCF-style: chr15-48744846-G-T.
Other names: c.5458C>A, p.Arg1820Ser (NM_001406716.1); short protein forms R1820S.
Identifiers: ClinVar variation 2953174 (VCV002953174.3), dbSNP rs2505470815, ClinGen allele CA392344374.